The following is an entry in ClinVar:

ClinVar aggregate classification (germline): Uncertain significance (1 of 4 stars; one submission).

Conditions:
Short-rib thoracic dysplasia 6 with or without polydactyly (SRTD6). Also called: SHORT RIB-POLYDACTYLY SYNDROME, TYPE IIA; SHORT-RIB THORACIC DYSPLASIA 6 WITH POLYDACTYLY; SHORT-RIB THORACIC DYSPLASIA 6 WITHOUT POLYDACTYLY; Majewski Syndrome; POLYDACTYLY WITH NEONATAL CHONDRODYSTROPHY, TYPE II. Identifiers: MedGen C0024507, MONDO:0009894, OMIM 263520.

Allele frequency attached by ClinVar (database versions not stated): gnomAD exomes 0.00001; ExAC 0.00002.
gnomAD v4.1: 4 of 1,579,586 alleles (0.00025%); highest among the groups gnomAD compares: Non-Finnish European, 0.00034%; no homozygotes.

Submission:

Labcorp Genetics (formerly Invitae), Labcorp
Classification: Uncertain significance for Short-rib thoracic dysplasia 6 with or without polydactyly. Last evaluated: 2022-03-09. Review status: criteria provided, single submitter. Criteria: Invitae Variant Classification Sherloc (09022015). Collection method: clinical testing. Allele origin: germline.
Comment: Algorithms developed to predict the effect of missense changes on protein structure and function are either unavailable or do not agree on the potential impact of this missense change (SIFT: "Deleterious"; PolyPhen-2: "Benign"; Align-GVGD: "Class C0"). In summary, the available evidence is currently insufficient to determine the role of this variant in disease. Therefore, it has been classified as a Variant of Uncertain Significance. This variant has not been reported in the literature in individuals affected with NEK1-related conditions. This variant is present in population databases (rs749551188, gnomAD 0.001%). This sequence change replaces isoleucine, which is neutral and non-polar, with asparagine, which is neutral and polar, at codon 381 of the NEK1 protein (p.Ile381Asn).

NM_001199397.3(NEK1):c.1142T>A (p.Ile381Asn)

Gene: NEK1 (NIMA related kinase 1; minus strand). Cytogenetic location: 4q33.
Variant type: single nucleotide variant.
Coding change: c.1142T>A on transcript NM_001199397.3 (MANE Select); coding-DNA position 1142, T replaced by A.
Protein change: p.Ile381Asn; replaces isoleucine 381 with asparagine.
Molecular consequence: missense variant. On other transcripts: non-coding transcript variant (2), intron variant (2).
Genome position (GRCh38, 1-based): chr4:169,561,736, A>T on the plus strand (T>A on the coding strand, the complement: NEK1 is on the minus strand). VCF-style: chr4-169561736-A-T. GRCh37 (hg19) VCF-style: chr4-170482887-A-T.
Other names: c.1142T>A, p.Ile381Asn (NM_001199398.3, NM_001199399.3, NM_001199400.3 and 5 more transcripts); c.1140+96T>A (NM_001374421.1, NM_001374420.1); short protein forms I381N.
Identifiers: ClinVar variation 2083008 (VCV002083008.4), dbSNP rs749551188, ClinGen allele CA3137826.